The following is an entry in ClinVar:

ClinVar aggregate classification (germline): Likely benign (1 of 4 stars; one submission).

Conditions:
LRIG2-related disorder. Also called: LRIG2-related condition.

gnomAD v4.1: 291 of 1,614,132 alleles (0.018%); highest among the groups gnomAD compares: African/African-American, 0.31%; 4 homozygotes.

Submission:

PreventionGenetics, part of Exact Sciences
Classification: Likely benign for LRIG2-related condition. Last evaluated: 2024-12-04. Review status: criteria provided, single submitter. Criteria: ACMG Guidelines, 2015. Collection method: clinical testing. Allele origin: germline.
Comment: This variant is classified as likely benign based on ACMG/AMP sequence variant interpretation guidelines (Richards et al. 2015 PMID: 25741868, with internal and published modifications).

NM_014813.3(LRIG2):c.943G>A (p.Glu315Lys)

Gene: LRIG2 (leucine rich repeats and immunoglobulin like domains 2; plus strand). Cytogenetic location: 1p13.2.
Variant type: single nucleotide variant.
Coding change: c.943G>A on transcript NM_014813.3 (MANE Select); coding-DNA position 943, G replaced by A.
Protein change: p.Glu315Lys; replaces glutamic acid 315 with lysine.
Molecular consequence: missense variant.
Genome position (GRCh38, 1-based): chr1:113,096,013, G>A. VCF-style: chr1-113096013-G-A. GRCh37 (hg19) VCF-style: chr1-113638635-G-A.
Other names: c.634G>A, p.Glu212Lys (NM_001312686.2); short protein forms E212K, E315K.
Identifiers: ClinVar variation 4999807 (VCV004999807.1).